The following is an entry in ClinVar:

NM_005475.3(SH2B3):c.873C>A (p.Asp291Glu)

Gene: SH2B3 (SH2B adaptor protein 3; plus strand). Cytogenetic location: 12q24.12.
Variant type: single nucleotide variant.
Coding change: c.873C>A on transcript NM_005475.3 (MANE Select); coding-DNA position 873, C replaced by A.
Protein change: p.Asp291Glu; replaces aspartic acid 291 with glutamic acid.
Molecular consequence: missense variant.
Genome position (GRCh38, 1-based): chr12:111,446,980, C>A. VCF-style: chr12-111446980-C-A. GRCh37 (hg19) VCF-style: chr12-111884784-C-A.
Other names: c.267C>A, p.Asp89Glu (NM_001291424.1); short protein forms D89E, D291E.
Identifiers: ClinVar variation 3953543 (VCV003953543.1).

ClinVar aggregate classification (germline): Uncertain significance (1 of 4 stars; one submission).

Conditions:
Inborn genetic diseases. Identifiers: MedGen C0950123, MeSH D030342.

gnomAD v4.1: 1 of 1,614,094 alleles (0.000062%); highest among the groups gnomAD compares: Non-Finnish European, 0.000085%; no homozygotes.

Submission:

Ambry Genetics
Classification: Uncertain significance for Inborn genetic diseases. Last evaluated: 2025-05-31. Review status: criteria provided, single submitter. Criteria: Ambry Variant Classification Scheme 2023. Collection method: clinical testing. Allele origin: germline.
Comment: The p.D291E variant (also known as c.873C>A), located in coding exon 3 of the SH2B3 gene, results from a C to A substitution at nucleotide position 873. The aspartic acid at codon 291 is replaced by glutamic acid, an amino acid with highly similar properties. This amino acid position is conserved. In addition, this alteration is predicted to be tolerated by in silico analysis. Based on the available evidence, the clinical significance of this variant remains unclear.